The following is an entry in ClinVar:

NM_001384910.1(GUCA1A):c.539T>A (p.Val180Glu)

Genes: GUCA1A (guanylate cyclase activator 1A; plus strand), GUCA1ANB-GUCA1A (GUCA1ANB-GUCA1A readthrough; plus strand). Cytogenetic location: 6p21.1.
Variant type: single nucleotide variant.
Coding change: c.539T>A on transcript NM_001384910.1 (MANE Select); coding-DNA position 539, T replaced by A.
Protein change: p.Val180Glu; replaces valine 180 with glutamic acid.
Molecular consequence: missense variant.
Genome position (GRCh38, 1-based): chr6:42,179,336, T>A. VCF-style: chr6-42179336-T-A. GRCh37 (hg19) VCF-style: chr6-42147074-T-A.
Other names: c.539T>A, p.Val180Glu (NM_000409.5, NM_001319061.2, NM_001319062.2); short protein forms V180E.
Identifiers: ClinVar variation 2745508 (VCV002745508.3), dbSNP rs1160879113, ClinGen allele CA364110498.
Genomic context (GRCh38, chr6:42,179,336, plus strand): 5'-TCCAGAAGGACCAGATGCTCCTGGACACACTGACACGAAGCCTGGACCTTACCCGCATCG[T>A]GCGCAGGCTCCAGAATGGCGAGCAAGACGAGGAGGGGGCTGACGAGGCCGCTGAGGCAGC-3'
Protein context (NP_001371839.1, residues 170-190): LTRSLDLTRI[Val180Glu]RRLQNGEQDE

ClinVar aggregate classification (germline): Uncertain significance (1 of 4 stars; one submission).

gnomAD v4.1: 1 of 1,613,746 alleles (0.000062%); highest among the groups gnomAD compares: Non-Finnish European, 0.000085%; no homozygotes.

Submission:

Labcorp Genetics (formerly Invitae), Labcorp
Classification: Uncertain significance. Last evaluated: 2024-04-05. Review status: criteria provided, single submitter. Criteria: Invitae Variant Classification Sherloc (09022015). Collection method: clinical testing. Allele origin: germline.
Comment: This sequence change replaces valine, which is neutral and non-polar, with glutamic acid, which is acidic and polar, at codon 180 of the GUCA1A protein (p.Val180Glu). This variant is present in population databases (no rsID available, gnomAD 0.002%). This variant has not been reported in the literature in individuals affected with GUCA1A-related conditions. An algorithm developed to predict the effect of missense changes on protein structure and function (PolyPhen-2) suggests that this variant is likely to be disruptive. In summary, the available evidence is currently insufficient to determine the role of this variant in disease. Therefore, it has been classified as a Variant of Uncertain Significance.